The following is an entry in ClinVar:

ClinVar aggregate classification (germline): Pathogenic (1 of 4 stars; one submission).

Conditions:
Charcot-Marie-Tooth disease type 2. Also called: Charcot-Marie-Tooth type 2. Identifiers: Orphanet 64746, MedGen C0270914, MONDO:0018993.

Submission:

Labcorp Genetics (formerly Invitae), Labcorp
Classification: Pathogenic for Charcot-Marie-Tooth disease type 2. Last evaluated: 2024-08-28. Review status: criteria provided, single submitter. Criteria: Invitae Variant Classification Sherloc (09022015). Collection method: clinical testing. Allele origin: germline.
Comment: This sequence change creates a premature translational stop signal (p.Gln121*) in the BSCL2 gene. It is expected to result in an absent or disrupted protein product. Loss-of-function variants in BSCL2 are known to be pathogenic (PMID: 11479539, 23564749). This variant is not present in population databases (gnomAD no frequency). This variant has not been reported in the literature in individuals affected with BSCL2-related conditions. Algorithms developed to predict the effect of sequence changes on RNA splicing suggest that this variant may disrupt the consensus splice site. For these reasons, this variant has been classified as Pathogenic.

Literature cited by the submitters: PubMed 11479539; PubMed 23564749.

NM_001122955.4(BSCL2):c.553C>T (p.Gln185Ter)

Genes: BSCL2 (BSCL2 lipid droplet biogenesis associated, seipin; minus strand), HNRNPUL2-BSCL2 (HNRNPUL2-BSCL2 readthrough (NMD candidate); minus strand). Cytogenetic location: 11q12.3.
Variant type: single nucleotide variant.
Coding change: c.553C>T on transcript NM_001122955.4 (MANE Select); coding-DNA position 553, C replaced by T.
Protein change: p.Gln185Ter; replaces glutamine 185 with a stop codon.
Molecular consequence: nonsense. On other transcripts: non-coding transcript variant (1).
Genome position (GRCh38, 1-based): chr11:62,694,645, G>A on the plus strand (C>T on the coding strand, the complement: BSCL2 is on the minus strand). VCF-style: chr11-62694645-G-A. GRCh37 (hg19) VCF-style: chr11-62462117-G-A.
Other names: c.361C>T, p.Gln121Ter (NM_001130702.2, NM_032667.6); c.553C>T, p.Gln185Ter (NM_001386027.1, NM_001386028.1); short protein forms Q121*, Q185*.
Identifiers: ClinVar variation 3648946 (VCV003648946.2).
Genomic context (GRCh38, chr11:62,694,645, plus strand): 5'-AGATGATTCGGCCACCTCTGGTGTAGCAGGAAATGGTGACCAAGAACATGCCCAAATCTT[G>A]ATTCACAGGGGACTCTGGCAGCTCAAGCTCTAAGGTAACACGATACGGCTGTCCATACAT-3'